The following is an entry in ClinVar:

NM_024665.7(TBL1XR1):c.59-5T>C

Gene: TBL1XR1 (TBL1X/Y related 1; minus strand). Cytogenetic location: 3q26.32.
Variant type: single nucleotide variant.
Coding change: c.59-5T>C on transcript NM_024665.7 (MANE Select); 5 bases into the intron before coding-DNA position 59, T replaced by C.
Molecular consequence: intron variant.
Genome position (GRCh38, 1-based): chr3:177,053,923, A>G on the plus strand (T>C on the coding strand, the complement: TBL1XR1 is on the minus strand). VCF-style: chr3-177053923-A-G. GRCh37 (hg19) VCF-style: chr3-176771711-A-G.
Other names: c.59-5T>C (NM_024665.5, NM_001374327.1, NM_001321194.3 and 3 more transcripts); c.-203-5T>C (NM_001374330.1, NM_001321195.3).
Identifiers: ClinVar variation 724970 (VCV000724970.11), dbSNP rs773473383, ClinGen allele CA2710055.

ClinVar aggregate classification (germline): Likely benign. Review status: criteria provided, single submitter (1 of 4 stars). 2 submissions from 2 submitters: Likely benign (1). 1 of the submissions does not count toward it. Last evaluated 2024-09-21.

Conditions:
TBL1XR1-related disorder. Also called: TBL1XR1-related condition; TBL1XR1-related disorders. Identifiers: MedGen CN382633, MONDO:1060313.
Pierpont syndrome (PRPTS). Identifiers: Orphanet 487825, MedGen C1865644, MONDO:0011213, OMIM 602342.

Allele frequency attached by ClinVar (database versions not stated): ExAC 0.00001; gnomAD exomes 0.00002 and 0.00013; gnomAD 0.00006; TOPMed 0.00006.
gnomAD v4.1: 196 of 1,597,210 alleles (0.012%); highest among the groups gnomAD compares: Non-Finnish European, 0.016%; no homozygotes.

Submissions (2):

Labcorp Genetics (formerly Invitae), Labcorp
Classification: Likely benign for Pierpont syndrome. Last evaluated: 2024-09-21. Review status: criteria provided, single submitter. Criteria: Invitae Variant Classification Sherloc (09022015). Collection method: clinical testing. Allele origin: germline.

PreventionGenetics, part of Exact Sciences
Classification: Likely benign for TBL1XR1-related condition. Last evaluated: 2019-04-22. Review status: no assertion criteria provided. Collection method: clinical testing. Allele origin: germline. Not counted in ClinVar's aggregate classification.
Comment: This variant is classified as likely benign based on ACMG/AMP sequence variant interpretation guidelines (Richards et al. 2015 PMID: 25741868, with internal and published modifications).